The following is an entry in ClinVar:

NM_004320.6(ATP2A1):c.958G>T (p.Ala320Ser)

Gene: ATP2A1 (ATPase sarcoplasmic/endoplasmic reticulum Ca2+ transporting 1; plus strand). Cytogenetic location: 16p11.2.
Variant type: single nucleotide variant.
Coding change: c.958G>T on transcript NM_004320.6 (MANE Select); coding-DNA position 958, G replaced by T.
Protein change: p.Ala320Ser; replaces alanine 320 with serine.
Molecular consequence: missense variant.
Genome position (GRCh38, 1-based): chr16:28,888,816, G>T. VCF-style: chr16-28888816-G-T. GRCh37 (hg19) VCF-style: chr16-28900137-G-T.
Other names: c.958G>T (NM_173201.3); c.583G>T, p.Ala195Ser (NM_001286075.2); c.958G>T, p.Ala320Ser (NM_173201.5); short protein forms A195S, A320S.
Identifiers: ClinVar variation 1026204 (VCV001026204.11), dbSNP rs766101847, ClinGen allele CA395404399.

ClinVar aggregate classification (germline): Uncertain significance. Review status: criteria provided, multiple submitters, no conflicts (2 of 4 stars). 2 submissions from 2 submitters: Uncertain significance (2). Last evaluated 2022-12-06.

Conditions:
Brody myopathy. Also called: BRODY DISEASE. Identifiers: Orphanet 53347, MedGen C1832918, MONDO:0010977, OMIM 601003.

Submissions (2):

Labcorp Genetics (formerly Invitae), Labcorp
Classification: Uncertain significance for Brody myopathy. Last evaluated: 2022-12-06. Review status: criteria provided, single submitter. Criteria: Invitae Variant Classification Sherloc (09022015). Collection method: clinical testing. Allele origin: germline.
Comment: In summary, the available evidence is currently insufficient to determine the role of this variant in disease. Therefore, it has been classified as a Variant of Uncertain Significance. Algorithms developed to predict the effect of missense changes on protein structure and function are either unavailable or do not agree on the potential impact of this missense change (SIFT: "Deleterious"; PolyPhen-2: "Probably Damaging"; Align-GVGD: "Class C0"). ClinVar contains an entry for this variant (Variation ID: 1026204). This variant has not been reported in the literature in individuals affected with ATP2A1-related conditions. This variant is not present in population databases (gnomAD no frequency). This sequence change replaces alanine, which is neutral and non-polar, with serine, which is neutral and polar, at codon 320 of the ATP2A1 protein (p.Ala320Ser).

Revvity Omics, Revvity
Classification: Uncertain significance for Brody myopathy. Last evaluated: 2021-02-10. Review status: criteria provided, single submitter. Criteria: ACMG Guidelines, 2015. Collection method: clinical testing. Allele origin: germline.